The following is an entry in ClinVar:

ClinVar aggregate classification (germline): Uncertain significance (1 of 4 stars; one submission).

Conditions:
EGFR-related lung cancer (EGFR). Identifiers: MedGen CN130014.

Submission:

Labcorp Genetics (formerly Invitae), Labcorp
Classification: Uncertain significance for EGFR-related lung cancer. Last evaluated: 2024-07-10. Review status: criteria provided, single submitter. Criteria: Invitae Variant Classification Sherloc (09022015). Collection method: clinical testing. Allele origin: germline.
Comment: This sequence change replaces histidine, which is basic and polar, with arginine, which is basic and polar, at codon 672 of the EGFR protein (p.His672Arg). This variant is not present in population databases (gnomAD no frequency). This variant has not been reported in the literature in individuals affected with EGFR-related conditions. ClinVar contains an entry for this variant (Variation ID: 1517513). Advanced modeling of protein sequence and biophysical properties (such as structural, functional, and spatial information, amino acid conservation, physicochemical variation, residue mobility, and thermodynamic stability) performed at Invitae indicates that this missense variant is not expected to disrupt EGFR protein function with a negative predictive value of 80%. In summary, the available evidence is currently insufficient to determine the role of this variant in disease. Therefore, it has been classified as a Variant of Uncertain Significance.

NM_005228.5(EGFR):c.2015A>G (p.His672Arg)

Gene: EGFR (epidermal growth factor receptor; plus strand). Cytogenetic location: 7p11.2.
Variant type: single nucleotide variant.
Coding change: c.2015A>G on transcript NM_005228.5 (MANE Select); coding-DNA position 2015, A replaced by G.
Protein change: p.His672Arg; replaces histidine 672 with arginine.
Molecular consequence: missense variant.
Genome position (GRCh38, 1-based): chr7:55,173,078, A>G. VCF-style: chr7-55173078-A-G. GRCh37 (hg19) VCF-style: chr7-55240771-A-G.
Other names: c.1880A>G, p.His627Arg (NM_001346897.2, NM_001346899.2); c.2015A>G, p.His672Arg (NM_001346898.2); c.1856A>G, p.His619Arg (NM_001346900.2); c.1214A>G, p.His405Arg (NM_001346941.2); short protein forms H627R, H619R, H672R, H405R.
Identifiers: ClinVar variation 1517513 (VCV001517513.8), dbSNP rs1786429035, ClinGen allele CA367583148.